The following is an entry in ClinVar:

NM_005334.3(HCFC1):c.2636-5_2723delinsACCTT

Gene: HCFC1 (host cell factor C1; minus strand). Cytogenetic location: Xq28.
Variant type: Indel.
Coding change: c.2636-5_2723delinsACCTT on transcript NM_005334.3 (MANE Select); 5 bases into the intron before coding-DNA position 2636 through coding-DNA position 2723, the reference bases replaced by ACCTT.
Molecular consequence: splice acceptor variant.
Genome position (GRCh38, 1-based): chrX:153,956,324-153,956,416, 93 bases replaced. GRCh37 (hg19): chrX:153,221,775-153,221,867.
Other names: c.2636-5_2723delinsACCTT (NM_001410705.1).
Identifiers: ClinVar variation 2662522 (VCV002662522.1), dbSNP rs2521589450, ClinGen allele CA2695197155.

ClinVar aggregate classification (germline): Uncertain significance (1 of 4 stars; one submission).

Submission:

GeneDx
Classification: Uncertain significance. Last evaluated: 2023-04-07. Review status: criteria provided, single submitter. Criteria: GeneDx Variant Classification Process June 2021. Collection method: clinical testing. Allele origin: germline. Affected: yes.
Comment: Canonical splice site variant in a gene or region of a gene for which loss of function is not a well-established mechanism of disease; Not observed at significant frequency in large population cohorts (gnomAD); Has not been previously published as pathogenic or benign to our knowledge